The following is an entry in ClinVar:

NM_005896.4(IDH1):c.253G>A (p.Glu85Lys)

Gene: IDH1 (isocitrate dehydrogenase (NADP(+)) 1; minus strand). Cytogenetic location: 2q34.
Variant type: single nucleotide variant.
Coding change: c.253G>A on transcript NM_005896.4 (MANE Select); coding-DNA position 253, G replaced by A.
Protein change: p.Glu85Lys; replaces glutamic acid 85 with lysine.
Molecular consequence: missense variant.
Genome position (GRCh38, 1-based): chr2:208,248,530, C>T on the plus strand (G>A on the coding strand, the complement: IDH1 is on the minus strand). VCF-style: chr2-208248530-C-T. GRCh37 (hg19) VCF-style: chr2-209113254-C-T.
Other names: c.253G>A, p.Glu85Lys (NM_001282386.1, NM_001282387.1); short protein forms E85K.
Identifiers: ClinVar variation 2447298 (VCV002447298.2), dbSNP rs2469032294, ClinGen allele CA350101967.

ClinVar aggregate classification (germline): Uncertain significance (1 of 4 stars; one submission).

Submission:

Ambry Genetics
Classification: Uncertain significance. Last evaluated: 2023-02-25. Review status: criteria provided, single submitter. Criteria: Ambry Variant Classification Scheme 2023. Collection method: clinical testing. Allele origin: germline.
Comment: The p.E85K variant (also known as c.253G>A), located in coding exon 2 of the IDH1 gene, results from a G to A substitution at nucleotide position 253. The glutamic acid at codon 85 is replaced by lysine, an amino acid with similar properties. This amino acid position is conserved. In addition, this alteration is predicted to be deleterious by in silico analysis. Since supporting evidence is limited at this time, the clinical significance of this alteration remains unclear.